The following is an entry in ClinVar:

NM_000540.3(RYR1):c.1440+2T>G

Gene: RYR1 (ryanodine receptor 1; plus strand). Cytogenetic location: 19q13.2.
Variant type: single nucleotide variant.
Coding change: c.1440+2T>G on transcript NM_000540.3 (MANE Select); the canonical splice donor site of the intron after coding-DNA position 1440, T replaced by G.
Molecular consequence: splice donor variant.
Genome position (GRCh38, 1-based): chr19:38,453,016, T>G. VCF-style: chr19-38453016-T-G. GRCh37 (hg19) VCF-style: chr19-38943656-T-G.
Other names: c.1440+2T>G (NM_001042723.2).
Identifiers: ClinVar variation 503752 (VCV000503752.10), dbSNP rs1555767403, ClinGen allele CA405686944.
Genomic context (GRCh38, chr19:38,453,016, plus strand): 5'-AGGAGAAGCAGAGCAAGCTGCGAAGCCTGCGCAACCGCCAGAGCCTCTTCCAGGAGGAGG[T>G]GAGGACGTGGCGAGGGCGGAGCGGGGCCTGTGGGCCCAGGGGGCGGGACCACTGAGGGGC-3'

ClinVar aggregate classification (germline): Conflicting classifications of pathogenicity. Review status: criteria provided, conflicting classifications (1 of 4 stars). 5 submissions from 5 submitters: Pathogenic (1); Likely pathogenic (2); Uncertain significance (2). Last evaluated 2023-08-15.

Conditions:
RYR1-related disorder. Also called: RYR1-related condition; RYR1-related disorders. Identifiers: MedGen CN239331.
Malignant hyperthermia, susceptibility to, 1 (MHS1). Also called: Anesthesia related hyperthermia; Malignant hyperpyrexia; Fulminating hyperpyrexia; Pharmacogenic myopathy; RYR1-Related Malignant Hyperthermia Susceptibility; Malignant hyperthermia suceptibility 1. Identifiers: Orphanet 423, MedGen C2930980, MONDO:0007783, OMIM 145600.
Central core myopathy (CMYO1A). Also called: CONGENITAL MYOPATHY 1A, AUTOSOMAL DOMINANT, WITH SUSCEPTIBILITY TO MALIGNANT HYPERTHERMIA; Central core disease; Myopathy, central fibrillar. Identifiers: Orphanet 597, MedGen C5830701, MONDO:0007294, OMIM 117000.

Submissions (5):

All of Us Research Program, National Institutes of Health
Classification: Uncertain significance for Malignant hyperthermia, susceptibility to, 1. Last evaluated: 2023-08-15. Review status: criteria provided, single submitter. Criteria: ACMG Guidelines, 2015. Collection method: clinical testing. Allele origin: germline. Inheritance: Autosomal dominant inheritance. Observed: 1 variant allele, 1 heterozygote.
Comment: This study involves interpretation of variants in research participants for the purpose of population health screening. Participant phenotype was not available at the time of variant classification. Additional details can be found in publication PMID: 35346344, PMCID: PMC8962531

Labcorp Genetics (formerly Invitae), Labcorp
Classification: Likely pathogenic for RYR1-related disorder. Last evaluated: 2022-11-29. Review status: criteria provided, single submitter. Criteria: Invitae Variant Classification Sherloc (09022015). Collection method: clinical testing. Allele origin: germline.
Comment: In summary, the currently available evidence indicates that the variant is pathogenic, but additional data are needed to prove that conclusively. Therefore, this variant has been classified as Likely Pathogenic. Algorithms developed to predict the effect of sequence changes on RNA splicing suggest that this variant may disrupt the consensus splice site. ClinVar contains an entry for this variant (Variation ID: 503752). Disruption of this splice site has been observed in individual(s) with clinical features of RYR1-related conditions (PMID: 31618753). This variant is not present in population databases (gnomAD no frequency). This sequence change affects a donor splice site in intron 13 of the RYR1 gene. It is expected to disrupt RNA splicing. Variants that disrupt the donor or acceptor splice site typically lead to a loss of protein function (PMID: 16199547), and loss-of-function variants in RYR1 are known to be pathogenic (PMID: 20583297, 20839240, 23919265, 28818389).

MGZ Medical Genetics Center
Classification: Likely pathogenic for Central core myopathy. Last evaluated: 2021-07-30. Review status: criteria provided, single submitter. Criteria: ACMG Guidelines, 2015. Collection method: clinical testing. Allele origin: germline. Affected: yes. Observed: 1 variant allele.
Comment: ACMG criteria applied: PVS1, PM2_SUP

GeneDx
Classification: Pathogenic. Last evaluated: 2019-05-22. Review status: criteria provided, single submitter. Criteria: GeneDx Variant Classification Process June 2021. Collection method: clinical testing. Allele origin: germline. Affected: yes.
Comment: Canonical splice site variant in a gene for which loss-of-function is a known mechanism of disease; Has not been previously published as pathogenic or benign to our knowledge; Not observed in large population cohorts (Lek et al., 2016); This variant is associated with the following publications: (PMID: 31618753)

Human Genome Sequencing Center Clinical Lab, Baylor College of Medicine
Classification: Uncertain significance for Malignant hyperthermia suceptibility 1. Review status: criteria provided, single submitter. Criteria: ACMG Guidelines, 2015. Collection method: clinical testing. Allele origin: germline.

Literature cited by the submitters: PubMed 31618753 (cited by Labcorp Genetics (formerly Invitae), Labcorp); PubMed 16199547 (cited by Labcorp Genetics (formerly Invitae), Labcorp); PubMed 20583297 (cited by Labcorp Genetics (formerly Invitae), Labcorp); PubMed 20839240 (cited by Labcorp Genetics (formerly Invitae), Labcorp); PubMed 23919265 (cited by Labcorp Genetics (formerly Invitae), Labcorp); PubMed 28818389 (cited by Labcorp Genetics (formerly Invitae), Labcorp).